The following is an entry in ClinVar:

ClinVar aggregate classification (germline): Uncertain significance (1 of 4 stars; one submission).

Submission:

Dasa
Classification: Uncertain significance. Last evaluated: 2025-06-04. Review status: criteria provided, single submitter. Criteria: DASA Assertion Criteria. Collection method: clinical testing. Allele origin: germline.
Comment: NM_000093.5(COL5A1):c.2494G>A (p.Gly832Ser) is a missense variant that results in the substitution of glycine with serine. The affected residue or protein region has prior evidence supporting clinical relevance. This variant is rare in population databases. Computational prediction algorithms are consistent with a deleterious effect. The currently available literature and clinical evidence are not sufficient to establish a definitive association between this variant and the reported condition. Therefore, this variant is classified as a variant of uncertain significance.

NM_000093.5(COL5A1):c.2494G>A (p.Gly832Ser)

Gene: COL5A1 (collagen type V alpha 1 chain; plus strand). Cytogenetic location: 9q34.3.
Variant type: single nucleotide variant.
Coding change: c.2494G>A on transcript NM_000093.5 (MANE Select); coding-DNA position 2494, G replaced by A.
Protein change: p.Gly832Ser; replaces glycine 832 with serine.
Molecular consequence: missense variant.
Genome position (GRCh38, 1-based): chr9:134,784,998, G>A. VCF-style: chr9-134784998-G-A. GRCh37 (hg19) VCF-style: chr9-137676844-G-A.
Other names: c.2494G>A, p.Gly832Ser (NM_001278074.1); short protein forms G832S.
Identifiers: ClinVar variation 4881543 (VCV004881543.2).